The following is an entry in ClinVar:

NM_014043.4(CHMP2B):c.*1071A>G

Gene: CHMP2B (charged multivesicular body protein 2B; plus strand). Cytogenetic location: 3p11.2.
Variant type: single nucleotide variant.
Coding change: c.*1071A>G on transcript NM_014043.4 (MANE Select); 1071 bases downstream of the stop codon, A replaced by G.
Molecular consequence: 3 prime UTR variant.
Genome position (GRCh38, 1-based): chr3:87,254,893, A>G. VCF-style: chr3-87254893-A-G. GRCh37 (hg19) VCF-style: chr3-87304043-A-G.
Other names: c.*1071A>G (NM_001244644.2).
Identifiers: ClinVar variation 346819 (VCV000346819.5), dbSNP rs544589377, ClinGen allele CA10616743.
Genomic context (GRCh38, chr3:87,254,893, plus strand): 5'-AGTACTACAACTATGACAATGCTTGACCTACATTTCTAAAATAAAAATTCACATTTTTTG[A>G]TAAATAAACTACAGTTTTACCAGAAATTACTATCTAAATGTGTATTAGCAGTATTTTTTA-3'

ClinVar aggregate classification (germline): Benign (1 of 4 stars; one submission).

Conditions:
Frontotemporal dementia and/or amyotrophic lateral sclerosis 7 (FTDALS7). Also called: CHMP2B-Related Frontotemporal Dementia-Amyotrophic Lateral Sclerosis; CHMP2B-related frontotemporal dementia; AMYOTROPHIC LATERAL SCLEROSIS, CHMP2B-RELATED; Amyotrophic lateral sclerosis 17. Identifiers: Orphanet 275864, Orphanet 282, Orphanet 803, MedGen C1833296, MONDO:0010936, OMIM 600795.

Allele frequency attached by ClinVar (database versions not stated): gnomAD 0.00003 and 0.00033; TOPMed 0.00006; 1000 Genomes Project 30x 0.00203; 1000 Genomes Project 0.00220.
gnomAD v4.1: 50 of 152,134 alleles (0.033%); highest among the groups gnomAD compares: South Asian, 0.91%; no homozygotes.

Submission:

Illumina Laboratory Services, Illumina
Classification: Benign for Frontotemporal dementia and/or amyotrophic lateral sclerosis 7. Last evaluated: 2018-01-12. Review status: criteria provided, single submitter. Criteria: ICSL Variant Classification Criteria 13 December 2019. Collection method: clinical testing. Allele origin: germline.
Comment: This variant was observed in the ICSL laboratory as part of a predisposition screen in an ostensibly healthy population. It had not been previously curated by ICSL or reported in the Human Gene Mutation Database (HGMD: prior to June 1st, 2018), and was therefore a candidate for classification through an automated scoring system. Utilizing variant allele frequency, disease prevalence and penetrance estimates, and inheritance mode, an automated score was calculated to assess if this variant is too frequent to cause the disease. Based on the score and internal cut-off values, a variant classified as benign is not then subjected to further curation. The score for this variant resulted in a classification of benign for this disease.